The following is an entry in ClinVar:

ClinVar aggregate classification (germline): Likely benign (1 of 4 stars; one submission).

Submission:

CeGaT Center for Human Genetics Tuebingen
Classification: Likely benign. Last evaluated: 2026-05-01. Review status: criteria provided, single submitter. Criteria: CeGaT Center For Human Genetics Tuebingen Variant Classification Criteria Version 2. Collection method: clinical testing. Allele origin: germline. Affected: yes. Observed: 3 variant alleles.
Comment: SLC2A1: PM2:Supporting, BP4, BP7

NM_006516.4(SLC2A1):c.1182C>G (p.Leu394=)

Gene: SLC2A1 (solute carrier family 2 member 1; minus strand). Cytogenetic location: 1p34.2.
Variant type: single nucleotide variant.
Coding change: c.1182C>G on transcript NM_006516.4 (MANE Select); coding-DNA position 1182, C replaced by G.
Protein change: p.Leu394=; no amino-acid change (leucine 394 retained).
Molecular consequence: synonymous variant.
Genome position (GRCh38, 1-based): chr1:42,927,701, G>C on the plus strand (C>G on the coding strand, the complement: SLC2A1 is on the minus strand). VCF-style: chr1-42927701-G-C. GRCh37 (hg19) VCF-style: chr1-43393372-G-C.
Identifiers: ClinVar variation 4821055 (VCV004821055.4).